The following is an entry in ClinVar:

NM_001903.5(CTNNA1):c.1939G>T (p.Asp647Tyr)

Gene: CTNNA1 (catenin alpha 1; plus strand). Cytogenetic location: 5q31.2.
Variant type: single nucleotide variant.
Coding change: c.1939G>T on transcript NM_001903.5 (MANE Select); coding-DNA position 1939, G replaced by T.
Protein change: p.Asp647Tyr; replaces aspartic acid 647 with tyrosine.
Molecular consequence: missense variant.
Genome position (GRCh38, 1-based): chr5:138,929,285, G>T. VCF-style: chr5-138929285-G-T. GRCh37 (hg19) VCF-style: chr5-138264974-G-T.
Other names: c.1939G>T, p.Asp647Tyr (NM_001290307.3, NM_001323982.2, NM_001323983.1 and 2 more transcripts); c.1630G>T, p.Asp544Tyr (NM_001290309.3); c.1570G>T, p.Asp524Tyr (NM_001290310.3); c.829G>T, p.Asp277Tyr (NM_001290312.1, NM_001323987.1, NM_001323988.1 and 17 more transcripts); c.1846G>T, p.Asp616Tyr (NM_001323986.2); c.490G>T, p.Asp164Tyr (NM_001324006.1, NM_001324007.1, NM_001324008.1 and 2 more transcripts); c.736G>T, p.Asp246Tyr (NM_001324011.1); c.586G>T, p.Asp196Tyr (NM_001324012.1, NM_001324013.1); short protein forms D277Y, D164Y, D196Y, D616Y, D524Y, D544Y, D246Y, D647Y.
Identifiers: ClinVar variation 2448331 (VCV002448331.2), dbSNP rs2533820380, ClinGen allele CA361132761.

ClinVar aggregate classification (germline): Uncertain significance (1 of 4 stars; one submission).

Conditions:
Hereditary cancer-predisposing syndrome. Also called: Neoplastic Syndromes, Hereditary; Hereditary Cancer Syndrome; Tumor predisposition; Hereditary neoplastic syndrome. Identifiers: Orphanet 140162, MedGen C0027672, MeSH D009386, MONDO:0015356.

Submission:

Ambry Genetics
Classification: Uncertain significance for Hereditary cancer-predisposing syndrome. Last evaluated: 2022-11-25. Review status: criteria provided, single submitter. Criteria: Ambry Variant Classification Scheme 2023. Collection method: clinical testing. Allele origin: germline.
Comment: The p.D647Y variant (also known as c.1939G>T), located in coding exon 13 of the CTNNA1 gene, results from a G to T substitution at nucleotide position 1939. The aspartic acid at codon 647 is replaced by tyrosine, an amino acid with highly dissimilar properties. This amino acid position is conserved. In addition, the in silico prediction for this alteration is inconclusive. Since supporting evidence is limited at this time, the clinical significance of this alteration remains unclear.